The following is an entry in ClinVar:

ClinVar aggregate classification (germline): Likely pathogenic (1 of 4 stars; one submission).

Conditions:
Fanconi anemia complementation group L (FANCL). Also called: FANCL-Related Fanconi Anemia. Identifiers: Orphanet 84, MedGen C3469528, MONDO:0013566, OMIM 614083.

Submission:

3billion
Classification: Likely pathogenic for Fanconi anemia complementation group L. Last evaluated: 2022-09-01. Review status: criteria provided, single submitter. Criteria: ACMG Guidelines, 2015. Collection method: clinical testing. Allele origin: germline. Affected: yes. Observed: 1 heterozygote.
Comment: The variant is not observed in the gnomAD v2.1.1 dataset. It is predicted to result in a loss or disruption of normal protein function through nonsense-mediated decay (NMD) or protein truncation. Multiple pathogenic variants are reported downstream of the variant. Therefore, this variant is classified as Likely pathogenic according to the recommendation of ACMG/AMP guideline.

NM_018062.4(FANCL):c.1_22dup (p.Leu8fs)

Gene: FANCL (FA complementation group L; minus strand). Cytogenetic location: 2p16.1.
Variant type: Duplication.
Coding change: c.1_22dup on transcript NM_018062.4 (MANE Select); coding-DNA positions 1 to 22, 22 bases duplicated (ATGGCGGTGACGGAAGCGAGCC).
Protein change: p.Leu8fs; shifts the reading frame from leucine 8.
Molecular consequence: frameshift variant, initiator codon variant.
Genome position (GRCh38, 1-based): chr2:58,241,292-58,241,313, GGCTCGCTTCCGTCACCGCCAT duplicated on the plus strand (ATGGCGGTGACGGAAGCGAGCC on the coding strand, the reverse complement: FANCL is on the minus strand); duplicating any 22 consecutive bases within chr2:58,241,292-58,241,319 gives the same sequence; the c. name uses the placement nearest the transcript's 3' end. VCF-style (leftmost placement, unchanged base first): chr2-58241291-A-AGGCTCGCTTCCGTCACCGCCAT. GRCh37 (hg19) VCF-style: chr2-58468426-A-AGGCTCGCTTCCGTCACCGCCAT.
Other names: c.-6_16dup, p.Met(?_1)_Ala6(?) (NM_001114636.2); c.1_22dup, p.Leu8fs (NM_001374615.1, NM_001410792.1); short protein forms L8fs.
Identifiers: ClinVar variation 1705600 (VCV001705600.2), dbSNP rs2467657643, ClinGen allele CA2580067611.
Genomic context (GRCh38, chr2:58,241,291, plus strand): 5'-AATCCCTCATACACGGTTTTCGACCGGTTCTGGGGCAGAAGCAGGGGGCACTGGCGCAAC[A>AGGCTCGCTTCCGTCACCGCCAT]GGCTCGCTTCCGTCACCGCCATGGCTCGAAGTCCGGAGAAACACAGAAAAGCTCTAGACC-3'